The following is an entry in ClinVar:

NM_001077365.2(POMT1):c.129C>T (p.Asp43=)

Gene: POMT1 (protein O-mannosyltransferase 1; plus strand). Cytogenetic location: 9q34.13.
Variant type: single nucleotide variant.
Coding change: c.129C>T on transcript NM_001077365.2 (MANE Select); coding-DNA position 129, C replaced by T.
Protein change: p.Asp43=; no amino-acid change (aspartic acid 43 retained).
Molecular consequence: synonymous variant. On other transcripts: 5 prime UTR variant (6), non-coding transcript variant (7), intron variant (8).
Genome position (GRCh38, 1-based): chr9:131,506,120, C>T. VCF-style: chr9-131506120-C-T. GRCh37 (hg19) VCF-style: chr9-134381507-C-T.
Other names: c.-34C>T (NM_001077366.2, NM_001353194.2, NM_001353197.2 and 3 more transcripts); c.129C>T, p.Asp43= (NM_001136113.2, NM_001353193.2, NM_001374690.1 and 1 more transcripts); c.-71-1248C>T (NM_001374691.1, NM_001374692.1); c.123-283C>T (NM_001353196.2); c.-122-283C>T (NM_001353195.2, NM_001353199.2, NM_001136114.2); c.-30+1780C>T (NM_001374695.1); c.-80-283C>T (NM_001353200.2).
Identifiers: ClinVar variation 196451 (VCV000196451.56), dbSNP rs200465419, ClinGen allele CA209472.

ClinVar aggregate classification (germline): Conflicting classifications of pathogenicity. Review status: criteria provided, conflicting classifications (1 of 4 stars). 6 submissions from 6 submitters: Uncertain significance (2); Likely benign (4). Last evaluated 2026-01-21.

Conditions:
Walker-Warburg congenital muscular dystrophy. Also called: Muscular dystrophy-dystroglycanopathy, type A; Walker-Warburg syndrome. Identifiers: Orphanet 899, MedGen C0265221, MONDO:0000171.
Autosomal recessive limb-girdle muscular dystrophy type 2K. Also called: MUSCULAR DYSTROPHY-DYSTROGLYCANOPATHY (LIMB-GIRDLE), TYPE C, 1; MUSCULAR DYSTROPHY, LIMB-GIRDLE, TYPE 2K. Identifiers: Orphanet 86812, MedGen C1836373, MONDO:0012248, OMIM 609308.
Muscular dystrophy-dystroglycanopathy (congenital with impaired intellectual development), type B, 1. Also called: MUSCULAR DYSTROPHY, CONGENITAL, POMT1-RELATED; Muscular dystrophy-dystroglycanopathy (congenital with intellectual disability), type B1. Identifiers: MedGen C5436962, MONDO:0013159, OMIM 613155.

Allele frequency attached by ClinVar (database versions not stated): gnomAD 0.00014; 1000 Genomes Project 30x 0.00016; 1000 Genomes Project 0.00020; TOPMed 0.00021; ESP Exome Variant Server 0.00023; gnomAD exomes 0.00023 and 0.00025; ExAC 0.00024.
gnomAD v4.1: 392 of 1,613,048 alleles (0.024%); highest among the groups gnomAD compares: Middle Eastern, 0.28%; 1 homozygote.

Submissions (6):

Labcorp Genetics (formerly Invitae), Labcorp
Classification: Likely benign for Muscular dystrophy-dystroglycanopathy (congenital with impaired intellectual development), type B, 1; Walker-Warburg congenital muscular dystrophy; Autosomal recessive limb-girdle muscular dystrophy type 2K. Last evaluated: 2026-01-21. Review status: criteria provided, single submitter. Criteria: Invitae Variant Classification Sherloc (09022015). Collection method: clinical testing. Allele origin: germline.

Blueprint Genetics
Classification: Likely benign. Last evaluated: 2024-06-27. Review status: criteria provided, single submitter. Criteria: ACMG Guidelines, 2015. Collection method: clinical testing. Allele origin: germline.

CeGaT Center for Human Genetics Tuebingen
Classification: Likely benign. Last evaluated: 2024-03-01. Review status: criteria provided, single submitter. Criteria: CeGaT Center For Human Genetics Tuebingen Variant Classification Criteria Version 2. Collection method: clinical testing. Allele origin: germline. Affected: yes. Observed: 3 variant alleles.
Comment: POMT1: BP4, BP7

GeneDx
Classification: Likely benign. Last evaluated: 2019-01-16. Review status: criteria provided, single submitter. Criteria: GeneDx Variant Classification Process June 2021. Collection method: clinical testing. Allele origin: germline. Affected: yes.
Comment: This variant is associated with the following publications: (PMID: 17878207)

Eurofins Ntd Llc (ga)
Classification: Uncertain significance. Last evaluated: 2015-05-12. Review status: criteria provided, single submitter. Criteria: EGL Classification Definitions 2015. Collection method: clinical testing. Allele origin: germline. Observed: 5 variant alleles, 5 heterozygotes.

Genetic Services Laboratory, University of Chicago
Classification: Uncertain significance. Last evaluated: 2015-01-20. Review status: criteria provided, single submitter. Criteria: ACMG Guidelines, 2015. Collection method: clinical testing. Allele origin: germline.